The following is an entry in ClinVar:

NM_014727.3(KMT2B):c.5054A>G (p.His1685Arg)

Gene: KMT2B (lysine methyltransferase 2B; plus strand). Cytogenetic location: 19q13.12.
Variant type: single nucleotide variant.
Coding change: c.5054A>G on transcript NM_014727.3 (MANE Select); coding-DNA position 5054, A replaced by G.
Protein change: p.His1685Arg; replaces histidine 1685 with arginine.
Molecular consequence: missense variant.
Genome position (GRCh38, 1-based): chr19:35,730,103, A>G. VCF-style: chr19-35730103-A-G. GRCh37 (hg19) VCF-style: chr19-36221004-A-G.
Other names: short protein forms H1685R.
Identifiers: ClinVar variation 3764454 (VCV003764454.2).
Genomic context (GRCh38, chr19:35,730,103, plus strand): 5'-TGTGTGCCCGGGCCAGCTACTGCATCTTCCAGGATGACAAGAAAGTCTTCTGCCAGAAAC[A>G]CACTGATCTCCTGGATGGCAAGGTGGGCCAGAACTGTGGGGTACACGGTTCCTTCCCCAC-3'
Protein context (NP_055542.1, residues 1675-1695): QDDKKVFCQK[His1685Arg]TDLLDGKEIV

ClinVar aggregate classification (germline): Likely pathogenic (1 of 4 stars; one submission).

Submission:

GeneDx
Classification: Likely pathogenic. Last evaluated: 2025-04-04. Review status: criteria provided, single submitter. Criteria: GeneDx Variant Classification Process June 2021. Collection method: clinical testing. Allele origin: germline.
Comment: Not observed at significant frequency in large population cohorts (gnomAD); In silico analysis supports that this missense variant has a deleterious effect on protein structure/function; Has not been previously published as pathogenic or benign to our knowledge